The following is an entry in ClinVar:

ClinVar aggregate classification (germline): Uncertain significance (1 of 4 stars; one submission).

Submission:

GeneDx
Classification: Uncertain significance. Last evaluated: 2022-12-23. Review status: criteria provided, single submitter. Criteria: GeneDx Variant Classification Process June 2021. Collection method: clinical testing. Allele origin: germline. Affected: yes.
Comment: Not observed at significant frequency in large population cohorts (gnomAD); In silico analysis supports that this missense variant does not alter protein structure/function; In silico analysis suggests this variant may impact gene splicing. In the absence of RNA/functional studies, the actual effect of this sequence change is unknown.; Has not been previously published as pathogenic or benign to our knowledge

NM_004958.4(MTOR):c.3487C>G (p.Leu1163Val)

Gene: MTOR (mechanistic target of rapamycin kinase; minus strand). Cytogenetic location: 1p36.22.
Variant type: single nucleotide variant.
Coding change: c.3487C>G on transcript NM_004958.4 (MANE Select); coding-DNA position 3487, C replaced by G.
Protein change: p.Leu1163Val; replaces leucine 1163 with valine.
Molecular consequence: missense variant.
Genome position (GRCh38, 1-based): chr1:11,212,386, G>C on the plus strand (C>G on the coding strand, the complement: MTOR is on the minus strand). VCF-style: chr1-11212386-G-C. GRCh37 (hg19) VCF-style: chr1-11272443-G-C.
Other names: c.3487C>G, p.Leu1163Val (NM_001386500.1); c.2239C>G, p.Leu747Val (NM_001386501.1); short protein forms L1163V, L747V.
Identifiers: ClinVar variation 2506738 (VCV002506738.1), dbSNP rs1646340525, ClinGen allele CA338372976.
Genomic context (GRCh38, chr1:11,212,386, plus strand): 5'-GAAAAACAAGTGAAGACAGCGTGTCCATGGCTGTGGAGCGCAGTTCTGGGCTCTGGTCCA[G>C]TGTTCGAACAATAGGGTGAATGATCCGGGAGGCATAGTCAGTGAAATCCAGGGACTCCGT-3'
Protein context (NP_004949.1, residues 1153-1173): SRIIHPIVRT[Leu1163Val]DQSPELRSTA